The following is an entry in ClinVar:

ClinVar aggregate classification (germline): Likely benign (0 of 4 stars; one submission).

Conditions:
PIK3R5-related disorder. Also called: PIK3R5-related condition.

Allele frequency attached by ClinVar (database versions not stated): gnomAD 0.00003; TOPMed 0.00003; gnomAD exomes 0.00007; ExAC 0.00009.
gnomAD v4.1: 100 of 1,613,940 alleles (0.0062%); highest among the groups gnomAD compares: South Asian, 0.055%; no homozygotes.

Submission:

PreventionGenetics, part of Exact Sciences
Classification: Likely benign for PIK3R5-related condition. Last evaluated: 2020-04-01. Review status: no assertion criteria provided. Collection method: clinical testing. Allele origin: germline.
Comment: This variant is classified as likely benign based on ACMG/AMP sequence variant interpretation guidelines (Richards et al. 2015 PMID: 25741868, with internal and published modifications).

NM_001142633.3(PIK3R5):c.861G>A (p.Arg287=)

Gene: PIK3R5 (phosphoinositide-3-kinase regulatory subunit 5; minus strand). Cytogenetic location: 17p13.1.
Variant type: single nucleotide variant.
Coding change: c.861G>A on transcript NM_001142633.3 (MANE Select); coding-DNA position 861, G replaced by A.
Protein change: p.Arg287=; no amino-acid change (arginine 287 retained).
Molecular consequence: synonymous variant. On other transcripts: 5 prime UTR variant (8).
Genome position (GRCh38, 1-based): chr17:8,889,173, C>T on the plus strand (G>A on the coding strand, the complement: PIK3R5 is on the minus strand). VCF-style: chr17-8889173-C-T. GRCh37 (hg19) VCF-style: chr17-8792490-C-T.
Other names: c.-360G>A (NM_001251851.2); c.-298G>A (NM_001251852.2, NM_001251853.2, NM_001251855.2 and 4 more transcripts); c.861G>A, p.Arg287= (NM_001388396.1, NM_014308.4).
Identifiers: ClinVar variation 3046513 (VCV003046513.2), dbSNP rs768534293, ClinGen allele CA8380678.